The following is an entry in ClinVar:

NM_181458.4(PAX3):c.707G>A (p.Arg236His)

Gene: PAX3 (paired box 3; minus strand). Cytogenetic location: 2q36.1.
Variant type: single nucleotide variant.
Coding change: c.707G>A on transcript NM_181458.4 (MANE Select); coding-DNA position 707, G replaced by A.
Protein change: p.Arg236His; replaces arginine 236 with histidine.
Molecular consequence: missense variant.
Genome position (GRCh38, 1-based): chr2:222,232,163, C>T on the plus strand (G>A on the coding strand, the complement: PAX3 is on the minus strand). VCF-style: chr2-222232163-C-T. GRCh37 (hg19) VCF-style: chr2-223096882-C-T.
Other names: c.707G>A (NM_181458.3); c.704G>A, p.Arg235His (NM_001127366.3); c.707G>A, p.Arg236His (NM_181457.4, NM_181459.4, NM_181460.4 and 1 more transcripts); short protein forms R236H, R235H.
Identifiers: ClinVar variation 1364757 (VCV001364757.7), dbSNP rs745673188, ClinGen allele CA2135598.

ClinVar aggregate classification (germline): Uncertain significance. Review status: criteria provided, multiple submitters, no conflicts (2 of 4 stars). 2 submissions from 2 submitters: Uncertain significance (2). Last evaluated 2022-02-02.

Conditions:
Waardenburg syndrome type 1 (WS1). Also called: Waardenburg Syndrome Type I; WAARDENBURG SYNDROME WITH DYSTOPIA CANTHORUM. Identifiers: Orphanet 894, MedGen C1847800, MONDO:0008670, OMIM 193500.

Allele frequency attached by ClinVar (database versions not stated): gnomAD exomes below 0.00001; ExAC 0.00001; gnomAD 0.00001 and 0.00002; TOPMed 0.00003.
gnomAD v4.1: 29 of 1,613,942 alleles (0.0018%); highest among the groups gnomAD compares: Non-Finnish European, 0.0023%; no homozygotes.

Submissions (2):

Victorian Clinical Genetics Services, Murdoch Childrens Research Institute
Classification: Uncertain significance for Waardenburg syndrome type 1. Last evaluated: 2022-02-02. Review status: criteria provided, single submitter. Criteria: ACMG Guidelines, 2015. Collection method: clinical testing. Allele origin: germline. Affected: yes.
Comment: Based on the classification scheme VCGS_Germline_v1.3.4, this variant is classified as VUS-3B. Following criteria are met: 0102 - Loss of function is a known mechanism of disease in this gene and is associated with craniofacial-deafness-hand syndrome (MIM#122880) and Waardenburg syndrome, type 1 (MIM#193500) and type 3 (MIM#148820). (I) 0108 - This gene is associated with both recessive and dominant disease. Although most commonly associated with autosomal dominant disease, there are rare reports of autosomal recessive inheritance associated with more severe disease (OMIM). (I) 0115 - Variants in this gene are known to have variable expressivity. There is significant variability, even within families, of Waardenburg syndrome type 1 (MIM#193500) phenotypes (GeneReviews). (I) 0200 - Variant is predicted to result in a missense amino acid change from arginine to histidine. (I) 0251 - This variant is heterozygous. (I) 0304 - Variant is present in gnomAD (v3) <0.01 (3 heterozygotes, 0 homozygotes). (SP) 0309 - Alternative amino acid changes at the same position has been observed in gnomAD (highest allele count (v2): 3 heterozygotes, 0 homozygotes). (I) 0501 - Missense variant consistently predicted to be damaging by multiple in silico tools or highly conserved with a major amino acid change. (SP) 0600 - Variant is located in the annotated homeobox domain (Pfam). (I) 0705 - No comparable missense variants have previous evidence for pathogenicity. (I) 0807 - This variant has no previous evidence of pathogenicity. (I) 0905 - No published segregation evidence has been identified for this variant. (I) 1007 - No published functional evidence has been identified for this variant. (I) 1208 - Inheritance information for this variant is not currently available in this individual. (I) Legend: (SP) - Supporting pathogenic, (I) - Information, (SB) - Supporting benign

Labcorp Genetics (formerly Invitae), Labcorp
Classification: Uncertain significance. Last evaluated: 2021-11-18. Review status: criteria provided, single submitter. Criteria: Invitae Variant Classification Sherloc (09022015). Collection method: clinical testing. Allele origin: germline.
Comment: In summary, the available evidence is currently insufficient to determine the role of this variant in disease. Therefore, it has been classified as a Variant of Uncertain Significance. Algorithms developed to predict the effect of missense changes on protein structure and function are either unavailable or do not agree on the potential impact of this missense change (SIFT: "Deleterious"; PolyPhen-2: "Probably Damaging"; Align-GVGD: "Class C0"). This variant has not been reported in the literature in individuals affected with PAX3-related conditions. This variant is present in population databases (rs745673188, gnomAD 0.0009%). This sequence change replaces arginine, which is basic and polar, with histidine, which is basic and polar, at codon 236 of the PAX3 protein (p.Arg236His).